The following is an entry in ClinVar:

ClinVar aggregate classification (germline): Likely benign. Review status: criteria provided, multiple submitters, no conflicts (2 of 4 stars). 3 submissions from 3 submitters: Likely benign (3). Last evaluated 2026-01-12.

Conditions:
Joubert syndrome. Also called: Familial aplasia of the vermis; JOUBERT-BOLTSHAUSER SYNDROME. Identifiers: Orphanet 475, MedGen C5979921, MONDO:0018772.

Allele frequency attached by ClinVar (database versions not stated): gnomAD 0.00007 and 0.00008; TOPMed 0.00009.
gnomAD v4.1: 217 of 1,597,066 alleles (0.014%); highest among the groups gnomAD compares: Non-Finnish European, 0.017%; no homozygotes.

Submissions (3):

Labcorp Genetics (formerly Invitae), Labcorp
Classification: Likely benign for Joubert syndrome. Last evaluated: 2026-01-12. Review status: criteria provided, single submitter. Criteria: Invitae Variant Classification Sherloc (09022015). Collection method: clinical testing. Allele origin: germline.

Blueprint Genetics
Classification: Likely benign. Last evaluated: 2024-06-26. Review status: criteria provided, single submitter. Criteria: ACMG Guidelines, 2015. Collection method: clinical testing. Allele origin: germline.

GeneDx
Classification: Likely benign. Last evaluated: 2018-04-09. Review status: criteria provided, single submitter. Criteria: GeneDx Variant Classification (06012015). Collection method: clinical testing. Allele origin: germline. Affected: yes.
Comment: This variant is considered likely benign or benign based on one or more of the following criteria: it is a conservative change, it occurs at a poorly conserved position in the protein, it is predicted to be benign by multiple in silico algorithms, and/or has population frequency not consistent with disease.

NM_001134831.2(AHI1):c.3589-16G>A

Gene: AHI1 (Abelson helper integration site 1; minus strand). Cytogenetic location: 6q23.3.
Variant type: single nucleotide variant.
Coding change: c.3589-16G>A on transcript NM_001134831.2 (MANE Select); 16 bases into the intron before coding-DNA position 3589, G replaced by A.
Molecular consequence: intron variant.
Genome position (GRCh38, 1-based): chr6:135,285,663, C>T on the plus strand (G>A on the coding strand, the complement: AHI1 is on the minus strand). VCF-style: chr6-135285663-C-T. GRCh37 (hg19) VCF-style: chr6-135606801-C-T.
Other names: c.3589-16G>A (NM_001134830.2, NM_001350503.2, NM_017651.5); c.3486-16G>A (NM_001350504.2).
Identifiers: ClinVar variation 681542 (VCV000681542.11), dbSNP rs201034412, ClinGen allele CA148529755.